The following is an entry in ClinVar:

NM_013450.4(BAZ2B):c.3522C>A (p.Asp1174Glu)

Gene: BAZ2B (bromodomain adjacent to zinc finger domain 2B; minus strand). Cytogenetic location: 2q24.2.
Variant type: single nucleotide variant.
Coding change: c.3522C>A on transcript NM_013450.4 (MANE Select); coding-DNA position 3522, C replaced by A.
Protein change: p.Asp1174Glu; replaces aspartic acid 1174 with glutamic acid.
Molecular consequence: missense variant.
Genome position (GRCh38, 1-based): chr2:159,385,319, G>T on the plus strand (C>A on the coding strand, the complement: BAZ2B is on the minus strand). VCF-style: chr2-159385319-G-T. GRCh37 (hg19) VCF-style: chr2-160241830-G-T.
Other names: c.3414C>A, p.Asp1138Glu (NM_001289975.1); c.3360C>A, p.Asp1120Glu (NM_001329857.2); c.3447C>A, p.Asp1149Glu (NM_001329858.2); short protein forms D1120E, D1138E, D1149E, D1174E.
Identifiers: ClinVar variation 3365075 (VCV003365075.1).

ClinVar aggregate classification (germline): Uncertain significance (1 of 4 stars; one submission).

gnomAD v4.1: 2 of 1,613,076 alleles (0.00012%); highest among the groups gnomAD compares: African/African-American, 0.0027%; no homozygotes.

Submission:

GeneDx
Classification: Uncertain significance. Last evaluated: 2023-12-07. Review status: criteria provided, single submitter. Criteria: GeneDx Variant Classification Process June 2021. Collection method: clinical testing. Allele origin: germline. Affected: yes.
Comment: In silico analysis supports that this missense variant does not alter protein structure/function; Has not been previously published as pathogenic or benign to our knowledge